The following is an entry in ClinVar:

NM_021961.6(TEAD1):c.526G>T (p.Val176Leu)

Gene: TEAD1 (TEA domain transcription factor 1; plus strand). Cytogenetic location: 11p15.3.
Variant type: single nucleotide variant.
Coding change: c.526G>T on transcript NM_021961.6 (MANE Select); coding-DNA position 526, G replaced by T.
Protein change: p.Val176Leu; replaces valine 176 with leucine.
Molecular consequence: missense variant.
Genome position (GRCh38, 1-based): chr11:12,881,909, G>T. VCF-style: chr11-12881909-G-T. GRCh37 (hg19) VCF-style: chr11-12903456-G-T.
Other names: short protein forms V176L.
Identifiers: ClinVar variation 3692456 (VCV003692456.2).

ClinVar aggregate classification (germline): Uncertain significance (1 of 4 stars; one submission).

gnomAD v4.1: 7 of 1,614,194 alleles (0.00043%); highest among the groups gnomAD compares: Non-Finnish European, 0.00059%; no homozygotes.

Submission:

Labcorp Genetics (formerly Invitae), Labcorp
Classification: Uncertain significance. Last evaluated: 2025-06-23. Review status: criteria provided, single submitter. Criteria: Invitae Variant Classification Sherloc (09022015). Collection method: clinical testing. Allele origin: germline.
Comment: This sequence change replaces valine, which is neutral and non-polar, with leucine, which is neutral and non-polar, at codon 176 of the TEAD1 protein (p.Val176Leu). This variant is present in population databases (no rsID available, gnomAD 0.0009%). This variant has not been reported in the literature in individuals affected with TEAD1-related conditions. ClinVar contains an entry for this variant (Variation ID: 3692456). Invitae Evidence Modeling of protein sequence and biophysical properties (such as structural, functional, and spatial information, amino acid conservation, physicochemical variation, residue mobility, and thermodynamic stability) indicates that this missense variant is not expected to disrupt TEAD1 protein function with a negative predictive value of 80%. In summary, the available evidence is currently insufficient to determine the role of this variant in disease. Therefore, it has been classified as a Variant of Uncertain Significance.